The following is an entry in ClinVar:

ClinVar aggregate classification (germline): Pathogenic (1 of 4 stars; one submission).

Conditions:
Familial cancer of breast. Also called: Hereditary breast cancer; BREAST CANCER, FAMILIAL; hereditary breast carcinoma. Identifiers: Orphanet 227535, MedGen C0346153, MONDO:0016419, OMIM 114480. Disease mechanism: loss of function.

Submission:

Labcorp Genetics (formerly Invitae), Labcorp
Classification: Pathogenic for Familial cancer of breast. Last evaluated: 2022-12-24. Review status: criteria provided, single submitter. Criteria: Invitae Variant Classification Sherloc (09022015). Collection method: clinical testing. Allele origin: germline.
Comment: This premature translational stop signal has been observed in individual(s) with breast cancer (PMID: 32339256). For these reasons, this variant has been classified as Pathogenic. This variant is also known as Thr773fs*. This variant is not present in population databases (gnomAD no frequency). This sequence change creates a premature translational stop signal (p.Thr773Asnfs*2) in the PALB2 gene. It is expected to result in an absent or disrupted protein product. Loss-of-function variants in PALB2 are known to be pathogenic (PMID: 17200668, 17200671, 17200672, 24136930, 25099575).

Literature cited by the submitters: PubMed 32339256; PubMed 17200668; PubMed 17200671; PubMed 17200672; PubMed 24136930; PubMed 25099575.

NM_024675.4(PALB2):c.2317dup (p.Thr773fs)

Gene: PALB2 (partner and localizer of BRCA2; minus strand). Cytogenetic location: 16p12.2.
Variant type: Duplication.
Coding change: c.2317dup on transcript NM_024675.4 (MANE Select); coding-DNA position 2317, one base duplicated (A; older notation c.2317dupA).
Protein change: p.Thr773fs; shifts the reading frame from threonine 773.
Molecular consequence: frameshift variant. On other transcripts: intron variant (1).
Genome position (GRCh38, 1-based): chr16:23,629,837, T duplicated on the plus strand (A on the coding strand, the reverse complement: PALB2 is on the minus strand). VCF-style (leftmost placement, unchanged base first): chr16-23629836-G-GT. GRCh37 (hg19) VCF-style: chr16-23641157-G-GT.
Other names: c.2257dup, p.Thr753fs (NM_001407296.1); c.2317dup, p.Thr773fs (NM_001407297.1, NM_001407298.1, NM_001407299.1 and 3 more transcripts); c.1432dup, p.Thr478fs (NM_001407304.1, NM_001407305.1, NM_001407306.1 and 5 more transcripts); c.529dup, p.Thr177fs (NM_001407312.1, NM_001407313.1); c.49-562dup (NM_001407314.1); short protein forms T753fs, T177fs, T478fs, T773fs.
Identifiers: ClinVar variation 2780340 (VCV002780340.3), dbSNP rs2506411505, ClinGen allele CA2695222922.
Genomic context (GRCh38, chr16:23,629,836, plus strand): 5'-CCTGACACTTGCAGGGTGGTATGTGGTTTTGCTGGGCTGCCTGAACTGTCGAATTGTTTA[G>GT]TATCACTGGCAAGACAGACTGAGTCTTTCAAATGAGCAAGTTGGGGTGTGCAGCAAGTTC-3'